The following is an entry in ClinVar:

NM_005121.3(MED13):c.547C>T (p.His183Tyr)

Gene: MED13 (mediator complex subunit 13; minus strand). Cytogenetic location: 17q23.2.
Variant type: single nucleotide variant.
Coding change: c.547C>T on transcript NM_005121.3 (MANE Select); coding-DNA position 547, C replaced by T.
Protein change: p.His183Tyr; replaces histidine 183 with tyrosine.
Molecular consequence: missense variant.
Genome position (GRCh38, 1-based): chr17:62,035,532, G>A on the plus strand (C>T on the coding strand, the complement: MED13 is on the minus strand). VCF-style: chr17-62035532-G-A. GRCh37 (hg19) VCF-style: chr17-60112893-G-A.
Other names: short protein forms H183Y.
Identifiers: ClinVar variation 2253491 (VCV002253491.3), dbSNP rs2509170556, ClinGen allele CA400786585.

ClinVar aggregate classification (germline): Uncertain significance. Review status: criteria provided, multiple submitters, no conflicts (2 of 4 stars). 2 submissions from 2 submitters: Uncertain significance (2). Last evaluated 2024-03-09.

Conditions:
Inborn genetic diseases. Identifiers: MedGen C0950123, MeSH D030342.

Submissions (2):

GeneDx
Classification: Uncertain significance. Last evaluated: 2024-03-09. Review status: criteria provided, single submitter. Criteria: GeneDx Variant Classification Process June 2021. Collection method: clinical testing. Allele origin: germline. Affected: yes.
Comment: Not observed at significant frequency in large population cohorts (gnomAD); In silico analysis supports that this missense variant has a deleterious effect on protein structure/function; Has not been previously published as pathogenic or benign to our knowledge

Ambry Genetics
Classification: Uncertain significance for Inborn genetic diseases. Last evaluated: 2021-12-14. Review status: criteria provided, single submitter. Criteria: Ambry Variant Classification Scheme 2023. Collection method: clinical testing. Allele origin: germline.